The following is an entry in ClinVar:

ClinVar aggregate classification (germline): Uncertain significance. Review status: criteria provided, multiple submitters, no conflicts (2 of 4 stars). 2 submissions from 2 submitters: Uncertain significance (2). Last evaluated 2025-08-29.

Allele frequency attached by ClinVar (database versions not stated): ESP Exome Variant Server 0.00008; ExAC 0.00001; TOPMed 0.00004.
gnomAD v4.1: 25 of 1,611,878 alleles (0.0016%); highest among the groups gnomAD compares: Admixed American, 0.0067%; no homozygotes.

Submissions (2):

Labcorp Genetics (formerly Invitae), Labcorp
Classification: Uncertain significance. Last evaluated: 2025-08-29. Review status: criteria provided, single submitter. Criteria: Invitae Variant Classification Sherloc (09022015). Collection method: clinical testing. Allele origin: germline.
Comment: This sequence change replaces alanine, which is neutral and non-polar, with valine, which is neutral and non-polar, at codon 1505 of the ANKRD26 protein (p.Ala1505Val). This variant is present in population databases (rs372044716, gnomAD 0.002%). This variant has not been reported in the literature in individuals affected with ANKRD26-related conditions. ClinVar contains an entry for this variant (Variation ID: 2136081). An algorithm developed to predict the effect of missense changes on protein structure and function outputs the following: PolyPhen-2: "Probably Damaging". The valine amino acid residue is found in multiple mammalian species, which suggests that this missense change does not adversely affect protein function. In summary, the available evidence is currently insufficient to determine the role of this variant in disease. Therefore, it has been classified as a Variant of Uncertain Significance.

GeneDx
Classification: Uncertain significance. Last evaluated: 2024-05-10. Review status: criteria provided, single submitter. Criteria: GeneDx Variant Classification Process June 2021. Collection method: clinical testing. Allele origin: germline. Affected: yes.
Comment: Not observed at significant frequency in large population cohorts (gnomAD); In silico analysis supports that this missense variant has a deleterious effect on protein structure/function; Has not been previously published as pathogenic or benign to our knowledge

NM_014915.3(ANKRD26):c.4514C>T (p.Ala1505Val)

Gene: ANKRD26 (ankyrin repeat domain 26; minus strand). Cytogenetic location: 10p12.1.
Variant type: single nucleotide variant.
Coding change: c.4514C>T on transcript NM_014915.3 (MANE Select); coding-DNA position 4514, C replaced by T.
Protein change: p.Ala1505Val; replaces alanine 1505 with valine.
Molecular consequence: missense variant.
Genome position (GRCh38, 1-based): chr10:27,014,704, G>A on the plus strand (C>T on the coding strand, the complement: ANKRD26 is on the minus strand). VCF-style: chr10-27014704-G-A. GRCh37 (hg19) VCF-style: chr10-27303633-G-A.
Other names: c.4511C>T, p.Ala1504Val (NM_001256053.2); short protein forms A1505V, A1504V.
Identifiers: ClinVar variation 2136081 (VCV002136081.5), dbSNP rs372044716, ClinGen allele CA5447770.